The following is an entry in ClinVar:

ClinVar aggregate classification (germline): Uncertain significance (1 of 4 stars; one submission).

Allele frequency attached by ClinVar (database versions not stated): gnomAD exomes below 0.00001; gnomAD 0.00001.
gnomAD v4.1: 6 of 1,613,938 alleles (0.00037%); highest among the groups gnomAD compares: African/African-American, 0.0013%; no homozygotes.

Submission:

Labcorp Genetics (formerly Invitae), Labcorp
Classification: Uncertain significance. Last evaluated: 2023-11-27. Review status: criteria provided, single submitter. Criteria: Invitae Variant Classification Sherloc (09022015). Collection method: clinical testing. Allele origin: germline.
Comment: This sequence change replaces methionine, which is neutral and non-polar, with valine, which is neutral and non-polar, at codon 744 of the TRRAP protein (p.Met744Val). This variant is present in population databases (no rsID available, gnomAD 0.01%). This variant has not been reported in the literature in individuals affected with TRRAP-related conditions. ClinVar contains an entry for this variant (Variation ID: 1964831). Advanced modeling of protein sequence and biophysical properties (such as structural, functional, and spatial information, amino acid conservation, physicochemical variation, residue mobility, and thermodynamic stability) performed at Invitae indicates that this missense variant is expected to disrupt TRRAP protein function with a positive predictive value of 80%. In summary, the available evidence is currently insufficient to determine the role of this variant in disease. Therefore, it has been classified as a Variant of Uncertain Significance.

NM_001375524.1(TRRAP):c.2230A>G (p.Met744Val)

Gene: TRRAP (transformation/transcription domain associated protein; plus strand). Cytogenetic location: 7q22.1.
Variant type: single nucleotide variant.
Coding change: c.2230A>G on transcript NM_001375524.1 (MANE Select); coding-DNA position 2230, A replaced by G.
Protein change: p.Met744Val; replaces methionine 744 with valine.
Molecular consequence: missense variant.
Genome position (GRCh38, 1-based): chr7:98,915,753, A>G. VCF-style: chr7-98915753-A-G. GRCh37 (hg19) VCF-style: chr7-98513376-A-G.
Other names: c.2230A>G, p.Met744Val (NM_001244580.2, NM_003496.4); short protein forms M744V.
Identifiers: ClinVar variation 1964831 (VCV001964831.5), dbSNP rs1415048370, ClinGen allele CA368290459.